The following is an entry in ClinVar:

NM_001267550.2(TTN):c.66816_66817del (p.Leu22273fs)

Genes: TTN (titin; minus strand), TTN-AS1 (TTN antisense RNA 1; plus strand). Cytogenetic location: 2q31.2.
Variant type: Microsatellite.
Coding change: c.66816_66817del on transcript NM_001267550.2 (MANE Select); coding-DNA positions 66816 to 66817, 2 bases deleted (AT; older notation c.66816_66817delAT).
Protein change: p.Leu22273fs; shifts the reading frame from leucine 22273.
Molecular consequence: frameshift variant.
Genome position (GRCh38, 1-based): chr2:178,580,562-178,580,563, AT deleted on the plus strand (AT on the coding strand, the reverse complement: TTN is on the minus strand); deleting any 2 consecutive bases within chr2:178,580,562-178,580,565 gives the same sequence; the c. name uses the placement nearest the transcript's 3' end. VCF-style (leftmost placement, unchanged base first): chr2-178580561-AAT-A. GRCh37 (hg19) VCF-style: chr2-179445288-AAT-A.
Other names: c.61893_61894del, p.Leu20632fs (NM_001256850.1); c.39621_39622del, p.Leu13208fs (NM_003319.4); c.59112_59113del, p.Leu19705fs (NM_133378.4); c.39996_39997del, p.Leu13333fs (NM_133432.3); c.40197_40198del, p.Leu13400fs (NM_133437.4); c.39621_39622delAT (NM_003319.4); short protein forms L13333fs, L13208fs, L22273fs, L19705fs, L20632fs, L13400fs.
Identifiers: ClinVar variation 1507953 (VCV001507953.7), dbSNP rs2154176484, ClinGen allele CA2580614488.

ClinVar aggregate classification (germline): Likely pathogenic. Review status: criteria provided, multiple submitters, no conflicts (2 of 4 stars). 2 submissions from 2 submitters: Likely pathogenic (2). Last evaluated 2025-05-15.

Conditions:
Dilated cardiomyopathy 1G (CMD1G). Identifiers: Orphanet 154, MedGen C1858763, MONDO:0011400, OMIM 604145.
Autosomal recessive limb-girdle muscular dystrophy type 2J (LGMDR10). Also called: Limb-girdle muscular dystrophy, type 2J; MUSCULAR DYSTROPHY, LIMB-GIRDLE, AUTOSOMAL RECESSIVE 10. Identifiers: Orphanet 140922, MedGen C1837342, MONDO:0012127, OMIM 608807.
Cardiovascular phenotype. Identifiers: MedGen CN230736.

Submissions (2):

Labcorp Genetics (formerly Invitae), Labcorp
Classification: Likely pathogenic for Dilated cardiomyopathy 1G; Autosomal recessive limb-girdle muscular dystrophy type 2J. Last evaluated: 2025-05-15. Review status: criteria provided, single submitter. Criteria: Invitae Variant Classification Sherloc (09022015). Collection method: clinical testing. Allele origin: germline.
Comment: This sequence change creates a premature translational stop signal (p.Leu22273Thrfs*24) in the TTN gene. While this is not anticipated to result in nonsense mediated decay, it is expected to create a truncated TTN protein. This variant is not present in population databases (gnomAD no frequency). This premature translational stop signal has been observed in individual(s) with dilated cardiomyopathy (PMID: 29773157). ClinVar contains an entry for this variant (Variation ID: 1507953). This variant is located in the A band of TTN (PMID: 25589632). Truncating variants in this region are significantly overrepresented in patients affected with dilated cardiomyopathy (PMID: 25589632). Truncating variants in this region have also been reported in individuals affected with autosomal recessive centronuclear myopathy (PMID: 23975875). In summary, the currently available evidence indicates that the variant is pathogenic, but additional data are needed to prove that conclusively. Therefore, this variant has been classified as Likely Pathogenic.

Ambry Genetics
Classification: Likely pathogenic for Cardiovascular phenotype. Last evaluated: 2025-02-21. Review status: criteria provided, single submitter. Criteria: Ambry Variant Classification Scheme 2023. Collection method: clinical testing. Allele origin: germline.
Comment: The c.39621_39622delAT variant, located in coding exon 144 of the TTN gene, results from a deletion of two nucleotides at nucleotide positions 39621 to 39622, causing a translational frameshift with a predicted alternate stop codon (p.L13208Tfs*24). This exon is located in the A-band region of the N2-B isoform of the titin protein and is constitutively expressed in TTN transcripts (percent spliced in or PSI 100%). This variant (referred to as NM_001267550.1:c.66816_66817delAT) has been detected in an individual from an alcohol-induced dilated cardiomyopathy cohort (Ware JS et al. J Am Coll Cardiol, 2018 May;71:2293-2302). This variant is considered to be rare based on population cohorts in the Genome Aggregation Database (gnomAD). This variant is expected to result in loss of function by premature protein truncation or nonsense-mediated mRNA decay. While truncating variants in TTN are present in 1-3% of the general population, truncating variants in the A-band are the most common cause of dilated cardiomyopathy (Herman DS et al. N. Engl. J. Med., 2012 Feb;366:619-28; Roberts AM et al. Sci Transl Med, 2015 Jan;7:270ra6). TTN truncating variants encoded in constitutive exons (PSI >90%) have been found to be significantly associated with DCM regardless of their position in titin (Schafer S et al. Nat. Genet., 2017 01;49:46-53; Akhtar MM et al. Circ Heart Fail, 2020 Oct;13:e006832; Massier M et al. Clin Genet, 2025 Jan). Based on the majority of available evidence to date, this variant is likely to be pathogenic.

Literature cited by the submitters: PubMed 29773157 (cited by Labcorp Genetics (formerly Invitae), Labcorp and Ambry Genetics); PubMed 25589632 (cited by Labcorp Genetics (formerly Invitae), Labcorp); PubMed 23975875 (cited by Labcorp Genetics (formerly Invitae), Labcorp).